The following is an entry in ClinVar:

NM_006904.7(PRKDC):c.6199C>T (p.Arg2067Trp)

Gene: PRKDC (protein kinase, DNA-activated, catalytic subunit; minus strand). Cytogenetic location: 8q11.21.
Variant type: single nucleotide variant.
Coding change: c.6199C>T on transcript NM_006904.7 (MANE Select); coding-DNA position 6199, C replaced by T.
Protein change: p.Arg2067Trp; replaces arginine 2067 with tryptophan.
Molecular consequence: missense variant.
Genome position (GRCh38, 1-based): chr8:47,859,619, G>A on the plus strand (C>T on the coding strand, the complement: PRKDC is on the minus strand). VCF-style: chr8-47859619-G-A. GRCh37 (hg19) VCF-style: chr8-48772180-G-A.
Other names: c.6199C>T, p.Arg2067Trp (NM_001081640.2); short protein forms R2067W.
Identifiers: ClinVar variation 1448521 (VCV001448521.4), dbSNP rs370153408, ClinGen allele CA4740452.

ClinVar aggregate classification (germline): Uncertain significance. Review status: criteria provided, multiple submitters, no conflicts (2 of 4 stars). 2 submissions from 2 submitters: Uncertain significance (2). Last evaluated 2022-07-27.

Conditions:
Severe combined immunodeficiency due to DNA-PKcs deficiency. Also called: IMMUNODEFICIENCY 26 WITH NEUROLOGIC ABNORMALITIES; Immunodeficiency 26 with or without neurologic abnormalities. Identifiers: Orphanet 317425, MedGen C4014833, MONDO:0014423, OMIM 615966.

Allele frequency attached by ClinVar (database versions not stated): ExAC 0.00002; gnomAD 0.00002; gnomAD exomes 0.00003 and 0.00009; TOPMed 0.00003; ESP Exome Variant Server 0.00008.
gnomAD v4.1: 136 of 1,610,392 alleles (0.0084%); highest among the groups gnomAD compares: Non-Finnish European, 0.011%; 1 homozygote.

Submissions (2):

Labcorp Genetics (formerly Invitae), Labcorp
Classification: Uncertain significance for Severe combined immunodeficiency due to DNA-PKcs deficiency. Last evaluated: 2022-07-27. Review status: criteria provided, single submitter. Criteria: Invitae Variant Classification Sherloc (09022015). Collection method: clinical testing. Allele origin: germline.
Comment: This sequence change replaces arginine, which is basic and polar, with tryptophan, which is neutral and slightly polar, at codon 2067 of the PRKDC protein (p.Arg2067Trp). This variant is present in population databases (rs370153408, gnomAD 0.01%). This variant has not been reported in the literature in individuals affected with PRKDC-related conditions. ClinVar contains an entry for this variant (Variation ID: 1448521). In summary, the available evidence is currently insufficient to determine the role of this variant in disease. Therefore, it has been classified as a Variant of Uncertain Significance.

Breakthrough Genomics
Classification: Uncertain significance. Review status: criteria provided, single submitter. Criteria: ACMG Guidelines, 2015. Collection method: not provided. Allele origin: germline. Inheritance: Autosomal recessive inheritance. Affected: yes.